The following is an entry in ClinVar:

ClinVar aggregate classification (germline): Uncertain significance (1 of 4 stars; one submission).

Allele frequency attached by ClinVar (database versions not stated): gnomAD exomes below 0.00001.
gnomAD v4.1: 1 of 1,613,834 alleles (0.000062%); highest among the groups gnomAD compares: Non-Finnish European, 0.000085%; no homozygotes.

Submission:

Labcorp Genetics (formerly Invitae), Labcorp
Classification: Uncertain significance. Last evaluated: 2023-01-18. Review status: criteria provided, single submitter. Criteria: Invitae Variant Classification Sherloc (09022015). Collection method: clinical testing. Allele origin: germline.
Comment: This sequence change replaces phenylalanine, which is neutral and non-polar, with leucine, which is neutral and non-polar, at codon 355 of the SRP54 protein (p.Phe355Leu). Advanced modeling of protein sequence and biophysical properties (such as structural, functional, and spatial information, amino acid conservation, physicochemical variation, residue mobility, and thermodynamic stability) performed at Invitae indicates that this missense variant is not expected to disrupt SRP54 protein function. In summary, the available evidence is currently insufficient to determine the role of this variant in disease. Therefore, it has been classified as a Variant of Uncertain Significance. This variant has not been reported in the literature in individuals affected with SRP54-related conditions. This variant is not present in population databases (gnomAD no frequency).

NM_003136.4(SRP54):c.1065T>G (p.Phe355Leu)

Gene: SRP54 (signal recognition particle 54; plus strand). Cytogenetic location: 14q13.2.
Variant type: single nucleotide variant.
Coding change: c.1065T>G on transcript NM_003136.4 (MANE Select); coding-DNA position 1065, T replaced by G.
Protein change: p.Phe355Leu; replaces phenylalanine 355 with leucine.
Molecular consequence: missense variant.
Genome position (GRCh38, 1-based): chr14:35,018,983, T>G. VCF-style: chr14-35018983-T-G. GRCh37 (hg19) VCF-style: chr14-35488189-T-G.
Other names: c.918T>G, p.Phe306Leu (NM_001146282.2); c.1065T>G, p.Phe355Leu (NM_001411017.1); short protein forms F355L, F306L.
Identifiers: ClinVar variation 2829612 (VCV002829612.3), dbSNP rs2044483660, ClinGen allele CA389447306.